The following is an entry in ClinVar:

ClinVar aggregate classification (germline): Uncertain significance. Review status: criteria provided, multiple submitters, no conflicts (2 of 4 stars). 2 submissions from 2 submitters: Uncertain significance (2). Last evaluated 2025-12-01.

Conditions:
Hypertrophic cardiomyopathy. Also called: HYPERTROPHIC MYOCARDIOPATHY. Identifiers: Orphanet 217569, MedGen C0007194, MeSH D002312, MONDO:0005045, HP:0001639.

Submissions (2):

Labcorp Genetics (formerly Invitae), Labcorp
Classification: Uncertain significance for Hypertrophic cardiomyopathy. Last evaluated: 2025-12-01. Review status: criteria provided, single submitter. Criteria: Invitae Variant Classification Sherloc (09022015). Collection method: clinical testing. Allele origin: germline.
Comment: This sequence change replaces glutamic acid, which is acidic and polar, with lysine, which is basic and polar, at codon 187 of the TNNI3 protein (p.Glu187Lys). This variant is not present in population databases (gnomAD no frequency). This variant has not been reported in the literature in individuals affected with TNNI3-related conditions. ClinVar contains an entry for this variant (Variation ID: 179710). An algorithm developed to predict the effect of missense changes on protein structure and function (PolyPhen-2) suggests that this variant is likely to be tolerated. In summary, the available evidence is currently insufficient to determine the role of this variant in disease. Therefore, it has been classified as a Variant of Uncertain Significance.

Laboratory for Molecular Medicine, Mass General Brigham Personalized Medicine
Classification: Uncertain significance. Last evaluated: 2014-04-24. Review status: criteria provided, single submitter. Criteria: LMM Criteria. Collection method: clinical testing. Allele origin: germline. Observed: 1 variant allele.
Comment: The Glu187Lys variant in TNNI3 has not been previously identified in individuals with cardiomyopathy or in large population studies. Glutamic acid (Glu) at pos ition 187 is not conserved in evolution and the change to lysine (Lys) was predi cted to be benign using a computational tool clinically validated by our laborat ory. This tool's benign prediction is estimated to be correct 89% of the time (J ordan 2011). In summary, the available evidence raises the possibility that this variant may be benign but additional data is needed to rule out a role in disea se. The clinical significance of the Gly187Lys variant is uncertain.

NM_000363.5(TNNI3):c.559G>A (p.Glu187Lys)

Gene: TNNI3 (troponin I3, cardiac type; minus strand). Cytogenetic location: 19q13.42.
Variant type: single nucleotide variant.
Coding change: c.559G>A on transcript NM_000363.5 (MANE Select); coding-DNA position 559, G replaced by A.
Protein change: p.Glu187Lys; replaces glutamic acid 187 with lysine.
Molecular consequence: missense variant.
Genome position (GRCh38, 1-based): chr19:55,151,908, C>T on the plus strand (G>A on the coding strand, the complement: TNNI3 is on the minus strand). VCF-style: chr19-55151908-C-T. GRCh37 (hg19) VCF-style: chr19-55663276-C-T.
Other names: short protein forms E187K.
Identifiers: ClinVar variation 179710 (VCV000179710.10), dbSNP rs727505069, ClinGen allele CA021916.